The following is an entry in ClinVar:

NM_004369.4(COL6A3):c.8440A>T (p.Arg2814Trp)

Gene: COL6A3 (collagen type VI alpha 3 chain; minus strand). Cytogenetic location: 2q37.3.
Variant type: single nucleotide variant.
Coding change: c.8440A>T on transcript NM_004369.4 (MANE Select); coding-DNA position 8440, A replaced by T.
Protein change: p.Arg2814Trp; replaces arginine 2814 with tryptophan.
Molecular consequence: missense variant.
Genome position (GRCh38, 1-based): chr2:237,340,476, T>A on the plus strand (A>T on the coding strand, the complement: COL6A3 is on the minus strand). VCF-style: chr2-237340476-T-A. GRCh37 (hg19) VCF-style: chr2-238249119-T-A.
Other names: c.6619A>T, p.Arg2207Trp (NM_057166.5); c.7822A>T, p.Arg2608Trp (NM_057167.4); short protein forms R2814W, R2207W, R2608W.
Identifiers: ClinVar variation 476561 (VCV000476561.11), dbSNP rs1553546042, ClinGen allele CA351194393.

ClinVar aggregate classification (germline): Uncertain significance (1 of 4 stars; one submission).

Conditions:
Bethlem myopathy 1A. Also called: Bethlem Muscular Dystrophy; MYOPATHY, BENIGN CONGENITAL, WITH CONTRACTURES; Bethlem myopathy 1. Identifiers: Orphanet 610, MedGen CN029274, MONDO:0024530, OMIM 158810.

Allele frequency attached by ClinVar (database versions not stated): gnomAD exomes 0.00001.
gnomAD v4.1: 8 of 1,613,542 alleles (0.0005%); highest among the groups gnomAD compares: Non-Finnish European, 0.00068%; no homozygotes.

Submission:

Labcorp Genetics (formerly Invitae), Labcorp
Classification: Uncertain significance for Bethlem myopathy 1A. Last evaluated: 2016-08-24. Review status: criteria provided, single submitter. Criteria: Invitae Variant Classification Sherloc (09022015). Collection method: clinical testing. Allele origin: germline.
Comment: In summary, this variant is a novel missense change with uncertain impact on protein function. It has been classified as a Variant of Uncertain Significance. Algorithms developed to predict the effect of missense changes on protein structure and function do not agree on the potential impact of this missense change (SIFT: "Deleterious"; PolyPhen-2: "Probably damaging"; Align-GVGD: "Class C0"). This variant is not present in population databases (ExAC no frequency) and has not been reported in the literature in individuals with a COL6A3-related disease. This variant occurs outside of the conserved triple-helical domain of the type 6 alpha-3 collagen protein where amino acid substitutions are rarely pathogenic. This sequence change replaces arginine with tryptophan at codon 2814 of the COL6A3 protein (p.Arg2814Trp). The arginine residue is highly conserved and there is a moderate physicochemical difference between arginine and tryptophan.